The following is an entry in ClinVar:

ClinVar aggregate classification (germline): Likely benign (1 of 4 stars; one submission).

gnomAD v4.1: 11 of 1,609,246 alleles (0.00068%); highest among the groups gnomAD compares: Middle Eastern, 0.017%; no homozygotes.

Submission:

CeGaT Center for Human Genetics Tuebingen
Classification: Likely benign. Last evaluated: 2025-10-01. Review status: criteria provided, single submitter. Criteria: CeGaT Center For Human Genetics Tuebingen Variant Classification Criteria Version 2. Collection method: clinical testing. Allele origin: germline. Affected: yes. Observed: 1 variant allele.
Comment: H1-4: BP4, BP7

NM_005321.3(H1-4):c.417G>A (p.Lys139=)

Gene: H1-4 (H1.4 linker histone, cluster member; plus strand). Cytogenetic location: 6p22.2.
Variant type: single nucleotide variant.
Coding change: c.417G>A on transcript NM_005321.3 (MANE Select); coding-DNA position 417, G replaced by A.
Protein change: p.Lys139=; no amino-acid change (lysine 139 retained).
Molecular consequence: synonymous variant.
Genome position (GRCh38, 1-based): chr6:26,156,807, G>A. VCF-style: chr6-26156807-G-A. GRCh37 (hg19) VCF-style: chr6-26157035-G-A.
Identifiers: ClinVar variation 4534416 (VCV004534416.6).
Genomic context (GRCh38, chr6:26,156,807, plus strand): 5'-GGCTAAAAAGGCAGGCGCGGCCAAGGCCAAGAAGCCAGCAGGAGCGGCGAAGAAGCCCAA[G>A]AAGGCGACGGGGGCGGCCACCCCCAAGAAGAGCGCCAAGAAGACCCCAAAGAAGGCGAAG-3'
Protein context (NP_005312.1, residues 129-149): KKPAGAAKKP[Lys139=]KATGAATPKK